The following is an entry in ClinVar:

ClinVar aggregate classification (germline): Uncertain significance (1 of 4 stars; one submission).

gnomAD v4.1: 21 of 1,613,744 alleles (0.0013%); highest among the groups gnomAD compares: South Asian, 0.019%; no homozygotes.

Submission:

Women's Health and Genetics/Laboratory Corporation of America, LabCorp
Classification: Uncertain significance. Last evaluated: 2025-07-17. Review status: criteria provided, single submitter. Criteria: LabCorp Variant Classification Summary - May 2015. Collection method: clinical testing. Allele origin: germline.
Comment: Variant summary: TTN NM_133378:c.24083G>C (p.Ser8028Thr), also known as NM_001267550:c.27815G>C (p.Ser9272Thr), results in a conservative amino acid change in the encoded protein sequence. Algorithms developed to predict the effect of missense changes on protein structure and function are either unavailable or do not agree on the potential impact of this missense change. The variant allele was found at a frequency of 2.8e-05 in 248822 control chromosomes, predominantly at a frequency of 0.0002 within the South Asian subpopulation in the gnomAD database. The available data on variant occurrences in the general population are insufficient to allow any conclusion about variant significance. To our knowledge, no occurrence of c.24083G>C in individuals affected with Autosomal Recessive Titinopathy and no experimental evidence demonstrating its impact on protein function have been reported. No submitters have cited clinical-significance assessments for this variant to ClinVar. Based on the evidence outlined above, the variant was classified as uncertain significance.

NM_001267550.2(TTN):c.27815G>C (p.Ser9272Thr)

Gene: TTN (titin; minus strand). Cytogenetic location: 2q31.2.
Variant type: single nucleotide variant.
Coding change: c.27815G>C on transcript NM_001267550.2 (MANE Select); coding-DNA position 27815, G replaced by C.
Protein change: p.Ser9272Thr; replaces serine 9272 with threonine.
Molecular consequence: missense variant. On other transcripts: intron variant (3).
Genome position (GRCh38, 1-based): chr2:178,712,015, C>G on the plus strand (G>C on the coding strand, the complement: TTN is on the minus strand). VCF-style: chr2-178712015-C-G. GRCh37 (hg19) VCF-style: chr2-179576742-C-G.
Other names: c.26864G>C, p.Ser8955Thr (NM_001256850.1); c.24083G>C, p.Ser8028Thr (NM_133378.4); c.13282+26067G>C (NM_003319.4); c.13858+26067G>C (NM_133437.4); c.13657+26067G>C (NM_133432.3); short protein forms S8955T, S8028T, S9272T.
Identifiers: ClinVar variation 4525799 (VCV004525799.1).